The following is an entry in ClinVar:

ClinVar aggregate classification (germline): Uncertain significance (1 of 4 stars; one submission).

Conditions:
Niemann-Pick disease, type B. Also called: Chronic Visceral ASMD (Niemann-Pick Disease Type B; NPD-B). Identifiers: Orphanet 77293, MedGen C0268243, MONDO:0011871, OMIM 607616. Disease mechanism: loss of function.
Niemann-Pick disease, type A. Also called: SPHINGOMYELIN LIPIDOSIS; SPHINGOMYELINASE DEFICIENCY; Infantile Neurovisceral ASMD (Niemann-Pick Disease Type A; NPD-A). Identifiers: Orphanet 77292, MedGen C0268242, MONDO:0009756, OMIM 257200. Disease mechanism: loss of function.

Submission:

Labcorp Genetics (formerly Invitae), Labcorp
Classification: Uncertain significance for Niemann-Pick disease, type B; Niemann-Pick disease, type A. Last evaluated: 2024-03-26. Review status: criteria provided, single submitter. Criteria: Invitae Variant Classification Sherloc (09022015). Collection method: clinical testing. Allele origin: germline.
Comment: This variant, c.437_439del, results in the deletion of 1 amino acid(s) of the SMPD1 protein (p.Glu146del), but otherwise preserves the integrity of the reading frame. This variant is present in population databases (rs757974084, gnomAD 0.003%). This variant has been observed in individual(s) with clinical features of Niemann-Pick disease type A/B (external communication). In at least one individual the data is consistent with being in trans (on the opposite chromosome) from a pathogenic variant. Experimental studies and prediction algorithms are not available or were not evaluated, and the functional significance of this variant is currently unknown. In summary, the available evidence is currently insufficient to determine the role of this variant in disease. Therefore, it has been classified as a Variant of Uncertain Significance.

NM_000543.5(SMPD1):c.437_439del (p.Glu146del)

Gene: SMPD1 (sphingomyelin phosphodiesterase 1; plus strand). Cytogenetic location: 11p15.4.
Variant type: Deletion.
Coding change: c.437_439del on transcript NM_000543.5 (MANE Select); coding-DNA positions 437 to 439, 3 bases deleted (AGG; older notation c.437_439delAGG).
Protein change: p.Glu146del; deletes glutamic acid 146.
Molecular consequence: inframe deletion. On other transcripts: 5 prime UTR variant (1), non-coding transcript variant (1).
Genome position (GRCh38, 1-based): chr11:6,391,502-6,391,504, AGG deleted; deleting any 3 consecutive bases within chr11:6,391,500-6,391,504 gives the same sequence; the c. name uses the placement nearest the transcript's 3' end. VCF-style (leftmost placement, unchanged base first): chr11-6391499-TGGA-T. GRCh37 (hg19) VCF-style: chr11-6412729-TGGA-T.
Other names: c.434_436del, p.Glu145del (NM_001007593.3); c.437_439del, p.Glu146del (NM_001318087.2, NM_001365135.2); c.-525_-523del (NM_001318088.2); short protein forms E145del, E146del.
Identifiers: ClinVar variation 3762960 (VCV003762960.2).
Genomic context (GRCh38, chr11:6,391,499, plus strand): 5'-TGAAGATAGCACCACCTGCCGTGTGCCAATCCATTGTCCACCTCTTTGAGGATGACATGG[TGGA>T]GGTGTGGAGACGCTCAGTGCTGAGCCCATCTGAGGCCTGTGGCCTGCTCCTGGGCTCCAC-3'